The following is an entry in ClinVar:

ClinVar aggregate classification (germline): Pathogenic (1 of 4 stars; one submission).

Conditions:
Primary ciliary dyskinesia. Also called: Ciliary dyskinesia. Identifiers: Orphanet 244, MedGen C0008780, MONDO:0016575, HP:0012265.

Submission:

Labcorp Genetics (formerly Invitae), Labcorp
Classification: Pathogenic for Primary ciliary dyskinesia. Last evaluated: 2023-05-22. Review status: criteria provided, single submitter. Criteria: Invitae Variant Classification Sherloc (09022015). Collection method: clinical testing. Allele origin: germline.
Comment: This sequence change creates a premature translational stop signal (p.Glu146*) in the CCDC103 gene. While this is not anticipated to result in nonsense mediated decay, it is expected to disrupt the last 97 amino acid(s) of the CCDC103 protein. This variant is not present in population databases (gnomAD no frequency). This variant has not been reported in the literature in individuals affected with CCDC103-related conditions. This variant disrupts a region of the CCDC103 protein in which other variant(s) (p.Ser190Argfs*19) have been determined to be pathogenic (Invitae). This suggests that this is a clinically significant region of the protein, and that variants that disrupt it are likely to be disease-causing. For these reasons, this variant has been classified as Pathogenic.

NM_213607.3(DNAAF19):c.436G>T (p.Glu146Ter)

Gene: DNAAF19 (dynein axonemal assembly factor 19; plus strand). Cytogenetic location: 17q21.31.
Variant type: single nucleotide variant.
Coding change: c.436G>T on transcript NM_213607.3 (MANE Select); coding-DNA position 436, G replaced by T.
Protein change: p.Glu146Ter; replaces glutamic acid 146 with a stop codon.
Molecular consequence: nonsense. On other transcripts: 3 prime UTR variant (3).
Genome position (GRCh38, 1-based): chr17:44,902,524, G>T. VCF-style: chr17-44902524-G-T. GRCh37 (hg19) VCF-style: chr17-42979892-G-T.
Other names: c.436G>T, p.Glu146Ter (NM_001258395.2, NM_001258396.2); c.*186G>T (NM_001258397.3); c.*125G>T (NM_001258398.3, NM_001258399.2); short protein forms E146*.
Identifiers: ClinVar variation 2981302 (VCV002981302.2), dbSNP rs2508900598, ClinGen allele CA399829153.